The following is an entry in ClinVar:

NM_007294.4(BRCA1):c.4523G>A (p.Trp1508Ter)

Gene: BRCA1 (BRCA1 DNA repair associated; minus strand). Cytogenetic location: 17q21.31.
Variant type: single nucleotide variant.
Coding change: c.4523G>A on transcript NM_007294.4 (MANE Select); coding-DNA position 4523, G replaced by A.
Protein change: p.Trp1508Ter; replaces tryptophan 1508 with a stop codon.
Molecular consequence: nonsense. On other transcripts: non-coding transcript variant (1).
Genome position (GRCh38, 1-based): chr17:43,074,483, C>T on the plus strand (G>A on the coding strand, the complement: BRCA1 is on the minus strand). VCF-style: chr17-43074483-C-T. GRCh37 (hg19) VCF-style: chr17-41226500-C-T.
Other names: p.Trp1508Ter; c.1085G>A, p.Trp362Ter (NM_001408445.1, NM_001408446.1, NM_001408447.1 and 2 more transcripts); c.1079G>A, p.Trp360Ter (NM_001408451.1); c.1073G>A, p.Trp358Ter (NM_001408452.1, NM_001408453.1, NM_001408454.1 and 3 more transcripts); c.4310G>A, p.Trp1437Ter (NM_001407571.1, NM_001407894.1, NM_001407895.1 and 12 more transcripts); c.4589G>A, p.Trp1530Ter (NM_001407581.1, NM_001407582.1); c.4586G>A, p.Trp1529Ter (NM_001407583.1, NM_001407585.1, NM_001407587.1 and 1 more transcripts); c.4583G>A, p.Trp1528Ter (NM_001407590.1, NM_001407591.1); and 69 more; short protein forms W1508*, W1461*, W404*, W1529*, W1395*, W1436*, W1441*, W1467*.
Identifiers: ClinVar variation 186016 (VCV000186016.25), dbSNP rs786202631, ClinGen allele CA002892.
Genomic context (GRCh38, chr17:43,074,483, plus strand): 5'-AGCTCCTCTTGAGATGGGTAGTTTCTATTCTGAAGACTCCCAGAGCAACTGTGCATGTAC[C>T]ACCTATCATCTAATGATGGGCATTTAGAAGGGGATGACCTAGAAAGATAAATGGAAGGAG-3'

ClinVar aggregate classification (germline): Pathogenic. Review status: reviewed by expert panel (3 of 4 stars). 8 submissions from 8 submitters: Pathogenic (1). 7 of the submissions do not count toward it. Last evaluated 2016-09-08.

Conditions:
Hereditary breast ovarian cancer syndrome. Also called: Hereditary breast and ovarian cancer syndrome; Hereditary breast and ovarian cancer syndrome (HBOC); BRCA1- and BRCA2-Associated Hereditary Breast and Ovarian Cancer; Breast and ovarian cancer; Hereditary breast and ovarian cancer; Hereditary breast and/or ovarian cancer syndrome. Identifiers: Orphanet 145, MedGen C0677776, MeSH D061325, MONDO:0003582. Disease mechanism: loss of function.
Pancreatic cancer, susceptibility to, 4. Identifiers: Orphanet 1333, MedGen C3280442, MONDO:0013685, OMIM 614320.
Fanconi anemia, complementation group S (FANCS). Identifiers: MedGen C4554406, MONDO:0054748, OMIM 617883.
Breast-ovarian cancer, familial, susceptibility to, 1 (BROVCA1). Also called: OVARIAN CANCER, SUSCEPTIBILITY TO; BRCA1 Hereditary Breast and Ovarian Cancer. Identifiers: Orphanet 145, MedGen C2676676, MONDO:0011450, OMIM 604370. Disease mechanism: loss of function.
Hereditary cancer-predisposing syndrome. Also called: Hereditary Cancer Syndrome; Hereditary neoplastic syndrome; Tumor predisposition; Neoplastic Syndromes, Hereditary. Identifiers: Orphanet 140162, MedGen C0027672, MeSH D009386, MONDO:0015356.

Submissions (8):

Evidence-based Network for the Interpretation of Germline Mutant Alleles (ENIGMA)
Classification: Pathogenic for Breast-ovarian cancer, familial, susceptibility to, 1. Last evaluated: 2016-09-08. Review status: reviewed by expert panel. Criteria: ENIGMA BRCA1/2 Classification Criteria (2015). Collection method: curation. Allele origin: germline.
Comment: Variant allele predicted to encode a truncated non-functional protein.

Labcorp Genetics (formerly Invitae), Labcorp
Classification: Pathogenic for Hereditary breast ovarian cancer syndrome. Last evaluated: 2025-06-25. Review status: criteria provided, single submitter. Criteria: Invitae Variant Classification Sherloc (09022015). Collection method: clinical testing. Allele origin: germline. Not counted in ClinVar's aggregate classification.
Comment: This sequence change creates a premature translational stop signal (p.Trp1508*) in the BRCA1 gene. It is expected to result in an absent or disrupted protein product. Loss-of-function variants in BRCA1 are known to be pathogenic (PMID: 20104584). This variant is not present in population databases (gnomAD no frequency). This premature translational stop signal has been observed in individual(s) with breast cancer (PMID: 25682074). ClinVar contains an entry for this variant (Variation ID: 186016). Algorithms developed to predict the effect of sequence changes on RNA splicing suggest that this variant may disrupt the consensus splice site. For these reasons, this variant has been classified as Pathogenic.

Color Diagnostics, LLC DBA Color Health
Classification: Pathogenic for Hereditary cancer-predisposing syndrome. Last evaluated: 2024-02-13. Review status: criteria provided, single submitter. Criteria: ACMG Guidelines, 2015. Collection method: clinical testing. Allele origin: germline. Not counted in ClinVar's aggregate classification.
Comment: This variant changes 1 nucleotide in exon 14 of the BRCA1 gene, creating a premature translation stop signal. This variant is expected to result in an absent or non-functional protein product. To our knowledge, functional studies have not been reported for this variant. This variant has been reported in at least four individuals affected with breast and ovarian cancer (PMID: 22006311, 25682074, 29021639; Color internal data), and a suspected hereditary breast and ovarian cancer family (PMID: 26250392). A different mutation c.4524G>A resulting in a premature termination at codon 1508 also has been reported in an individual affected with breast cancer (PMID: 27082205) and two suspected hereditary breast and ovarian cancer families (PMID: 20960228, 31409081). This variant has not been identified in the general population by the Genome Aggregation Database (gnomAD). Loss of BRCA1 function is a known mechanism of disease. Based on the available evidence, this variant is classified as Pathogenic.

Ambry Genetics
Classification: Pathogenic for Hereditary cancer-predisposing syndrome. Last evaluated: 2023-12-15. Review status: criteria provided, single submitter. Criteria: Ambry Variant Classification Scheme 2023. Collection method: clinical testing. Allele origin: germline. Not counted in ClinVar's aggregate classification.
Comment: The p.W1508* pathogenic mutation (also known as c.4523G>A), located in coding exon 13 of the BRCA1 gene, results from a G to A substitution at nucleotide position 4523. This changes the amino acid from a tryptophan to a stop codon within coding exon 13. This mutation has been detected in multiple hereditary breast and ovarian cancer (HBOC) syndrome patients families to date (Wong-Brown MW et al. Breast Cancer Res. Treat. 2015 Feb;150(1):71-80; Laitman et al. Breast Cancer Res. Treat. 2011 Jun;127(2):489-95; Walsh T et al. Proc Natl Acad Sci U S A. 2011 Nov 1;108(44):18032-7). This variant is considered to be rare based on population cohorts in the Genome Aggregation Database (gnomAD). In addition to the clinical data presented in the literature, this alteration is expected to result in loss of function by premature protein truncation or nonsense-mediated mRNA decay. As such, this alteration is interpreted as a disease-causing mutation.

Molecular Genetics and NGS Laboratory, Hospital Fundacion Valle Del Lili
Classification: Pathogenic for Breast-ovarian cancer, familial, susceptibility to, 1; Pancreatic cancer, susceptibility to, 4; Fanconi anemia, complementation group S. Last evaluated: 2023-11-07. Review status: criteria provided, single submitter. Criteria: ACMG Guidelines, 2015. Collection method: clinical testing. Allele origin: germline. Affected: yes. Observed: 1 variant allele. Not counted in ClinVar's aggregate classification.

GeneDx
Classification: Pathogenic. Last evaluated: 2021-08-09. Review status: criteria provided, single submitter. Criteria: GeneDx Variant Classification Process June 2021. Collection method: clinical testing. Allele origin: germline. Affected: yes. Not counted in ClinVar's aggregate classification.
Comment: Nonsense variant predicted to result in protein truncation or nonsense mediated decay in a gene for which loss-of-function is a known mechanism of disease; Not observed at significant frequency in large population cohorts (Lek et al., 2016); Truncating variants in this gene are considered pathogenic by a well-established clinical consortium and/or database; Also known as c.4642G>A; This variant is associated with the following publications: (PMID: 31090900, 27221827, 20960228, 22009639, 23982851, 26250392, 23192404, 25682074)

Women's Health and Genetics/Laboratory Corporation of America, LabCorp
Classification: Pathogenic for Hereditary breast and ovarian cancer syndrome. Last evaluated: 2019-11-11. Review status: criteria provided, single submitter. Criteria: LabCorp Variant Classification Summary - May 2015. Collection method: clinical testing. Allele origin: germline. Not counted in ClinVar's aggregate classification.
Comment: Variant summary: BRCA1 c.4523G>A (p.Trp1508X) results in a premature termination codon, predicted to cause a truncation of the encoded protein or absence of the protein due to nonsense mediated decay, which are commonly known mechanisms for disease. The variant was absent in 251348 control chromosomes (gnomAD). c.4523G>A has been reported in the literature in multiple individuals affected with Hereditary Breast and Ovarian Cancer (Briceno-Balcazar_2017, Judkins_2005, Lynce_2015). These data indicate that the variant is very likely to be associated with disease. To our knowledge, no experimental evidence demonstrating an impact on protein function has been reported. Six ClinVar submissions including an expert panel, ENIGMA, (evaluation after 2014) cite the variant as pathogenic. Based on the evidence outlined above, the variant was classified as pathogenic.

Quest Diagnostics Nichols Institute San Juan Capistrano
Classification: Pathogenic. Last evaluated: 2016-12-19. Review status: criteria provided, single submitter. Criteria: Quest Diagnostics criteria. Collection method: clinical testing. Allele origin: germline. Not counted in ClinVar's aggregate classification.

Literature cited by the submitters: PubMed 20104584 (cited by Labcorp Genetics (formerly Invitae), Labcorp); PubMed 25682074 (cited by 4 submitters); PubMed 20960228 (cited by Color Diagnostics, LLC DBA Color Health and Ambry Genetics); PubMed 22006311 (cited by Color Diagnostics, LLC DBA Color Health and Ambry Genetics); PubMed 26250392 (cited by Color Diagnostics, LLC DBA Color Health and Women's Health and Genetics/Laboratory Corporation of America, LabCorp); PubMed 27082205 (cited by Color Diagnostics, LLC DBA Color Health); PubMed 29021639 (cited by Color Diagnostics, LLC DBA Color Health and Women's Health and Genetics/Laboratory Corporation of America, LabCorp); PubMed 31409081 (cited by Color Diagnostics, LLC DBA Color Health); PubMed 16267036 (cited by Women's Health and Genetics/Laboratory Corporation of America, LabCorp).